The following is an entry in ClinVar:

ClinVar aggregate classification (germline): Uncertain significance. Review status: criteria provided, multiple submitters, no conflicts (2 of 4 stars). 2 submissions from 2 submitters: Uncertain significance (2). Last evaluated 2025-11-24.

Conditions:
Hereditary cancer-predisposing syndrome. Also called: Neoplastic Syndromes, Hereditary; Hereditary neoplastic syndrome; Tumor predisposition; Hereditary Cancer Syndrome. Identifiers: Orphanet 140162, MedGen C0027672, MeSH D009386, MONDO:0015356.
Familial cancer of breast. Also called: BREAST CANCER, FAMILIAL; hereditary breast carcinoma; Hereditary breast cancer. Identifiers: Orphanet 227535, MedGen C0346153, MONDO:0016419, OMIM 114480. Disease mechanism: loss of function.

Submissions (2):

Ambry Genetics
Classification: Uncertain significance for Hereditary cancer-predisposing syndrome. Last evaluated: 2025-11-24. Review status: criteria provided, single submitter. Criteria: Ambry Variant Classification Scheme 2023. Collection method: clinical testing. Allele origin: germline.
Comment: The c.2138_2140dupTGA variant (also known as p.V713_T714insM), located in coding exon 11 of the BARD1 gene, results from an in-frame duplication of TGA at nucleotide positions 2138 to 2140. This results in the insertion of one amino acid at codons 713 through 714. This amino acid position is highly conserved in available vertebrate species. In addition, this variant is predicted to be deleterious by in silico analysis (Choi Y et al. PLoS ONE. 2012; 7(10):e46688). Based on the available evidence, the clinical significance of this variant remains unclear.

Labcorp Genetics (formerly Invitae), Labcorp
Classification: Uncertain significance for Familial cancer of breast. Last evaluated: 2015-11-23. Review status: criteria provided, single submitter. Criteria: Invitae Variant Classification Sherloc (09022015). Collection method: clinical testing. Allele origin: germline.
Comment: In summary, this is a novel variant with uncertain impact on protein function. It has been classified as a Variant of Uncertain Significance. This variant is not present in population databases (ExAC no frequency) and has not been reported in the literature. This sequence change inserts 3 nucleotides in exon 11 of the BARD1 mRNA (c.2138_2140dupTGA). This leads to the insertion of 1 amino acid residue in the BARD1 protein (p.Val713_Thr714insMet) but otherwise preserves the integrity of the reading frame.

NM_000465.4(BARD1):c.2138_2140dup (p.Val713_Thr714insMet)

Gene: BARD1 (BRCA1 associated RING domain 1; minus strand). Cytogenetic location: 2q35.
Variant type: Duplication.
Coding change: c.2138_2140dup on transcript NM_000465.4 (MANE Select); coding-DNA positions 2138 to 2140, 3 bases duplicated (TGA; older notation c.2138_2140dupTGA).
Protein change: p.Val713_Thr714insMet.
Molecular consequence: inframe insertion. On other transcripts: non-coding transcript variant (3).
Genome position (GRCh38, 1-based): chr2:214,728,870-214,728,872, TCA duplicated on the plus strand (TGA on the coding strand, the reverse complement: BARD1 is on the minus strand). VCF-style (leftmost placement, unchanged base first): chr2-214728869-G-GTCA. GRCh37 (hg19) VCF-style: chr2-215593593-G-GTCA.
Other names: c.2081_2083dup, p.Val694_Thr695insMet (NM_001282543.2); c.785_787dup, p.Val262_Thr263insMet (NM_001282545.2); c.728_730dup, p.Val243_Thr244insMet (NM_001282548.2); c.599_601dup, p.Val200_Thr201insMet (NM_001282549.2); c.2138_2140dupTGA (NM_000465.2).
Identifiers: ClinVar variation 237828 (VCV000237828.8), dbSNP rs878854005, ClinGen allele CA10581920.
Genomic context (GRCh38, chr2:214,728,869, plus strand): 5'-GTGCAGAAGCGCTGATCAGAATCGGGTCTCGCATGGTATGCGACTGTATTGATGGTCTGA[G>GTCA]TCACGTCACTGTCTGGCTTGGGCTTTCTACTGAGGATCTGGCCCCCACCTGCAGTGACGA-3'